The following is an entry in ClinVar:

ClinVar aggregate classification (germline): Uncertain significance (1 of 4 stars; one submission).

Conditions:
Chromosome 2q32-q33 deletion syndrome (GLASS). Also called: Glass syndrome; 2q33.1 deletion syndrome. Identifiers: Orphanet 251019, MedGen C2676739, MONDO:0012864, OMIM 612313.

Allele frequency attached by ClinVar (database versions not stated): gnomAD exomes below 0.00001.
gnomAD v4.1: 1 of 1,614,128 alleles (0.000062%); highest among the groups gnomAD compares: Non-Finnish European, 0.000085%; no homozygotes.

Submission:

Labcorp Genetics (formerly Invitae), Labcorp
Classification: Uncertain significance for Chromosome 2q32-q33 deletion syndrome. Last evaluated: 2021-12-23. Review status: criteria provided, single submitter. Criteria: Invitae Variant Classification Sherloc (09022015). Collection method: clinical testing. Allele origin: germline.
Comment: This sequence change replaces histidine, which is basic and polar, with aspartic acid, which is acidic and polar, at codon 277 of the SATB2 protein (p.His277Asp). This variant is not present in population databases (gnomAD no frequency). This variant has not been reported in the literature in individuals affected with SATB2-related conditions. Algorithms developed to predict the effect of missense changes on protein structure and function are either unavailable or do not agree on the potential impact of this missense change (SIFT: "Deleterious"; PolyPhen-2: "Benign"; Align-GVGD: "Class C0"). In summary, the available evidence is currently insufficient to determine the role of this variant in disease. Therefore, it has been classified as a Variant of Uncertain Significance.

NM_001172509.2(SATB2):c.829C>G (p.His277Asp)

Gene: SATB2 (SATB homeobox 2; minus strand). Cytogenetic location: 2q33.1.
Variant type: single nucleotide variant.
Coding change: c.829C>G on transcript NM_001172509.2 (MANE Select); coding-DNA position 829, C replaced by G.
Protein change: p.His277Asp; replaces histidine 277 with aspartic acid.
Molecular consequence: missense variant.
Genome position (GRCh38, 1-based): chr2:199,349,045, G>C on the plus strand (C>G on the coding strand, the complement: SATB2 is on the minus strand). VCF-style: chr2-199349045-G-C. GRCh37 (hg19) VCF-style: chr2-200213768-G-C.
Other names: c.829C>G, p.His277Asp (NM_001172517.1, NM_015265.4); short protein forms H277D.
Identifiers: ClinVar variation 2049937 (VCV002049937.4), dbSNP rs1688736477, ClinGen allele CA350388042.
Genomic context (GRCh38, chr2:199,349,045, plus strand): 5'-GACCAGGGCTCATGATGGGCTGTAATGCGGGCACTTGGTTTCGGATTGGAGTACTGTGGT[G>C]AATTTGGCTGTGAGGAGACTGTTCGTTGGTTTTCCCCAGGGATGCCAGCTGGTTCATATT-3'
Protein context (NP_001165980.1, residues 267-287): TNEQSPHSQI[His277Asp]HSTPIRNQVP